The following is an entry in ClinVar:

NM_000238.4(KCNH2):c.229_230delinsT (p.Arg77fs)

Gene: KCNH2 (potassium voltage-gated channel subfamily H member 2; minus strand). Cytogenetic location: 7q36.1.
Variant type: Indel.
Coding change: c.229_230delinsT on transcript NM_000238.4 (MANE Select); coding-DNA positions 229 to 230, CG replaced by T.
Protein change: p.Arg77fs; shifts the reading frame from arginine 77.
Molecular consequence: frameshift variant.
Genome position (GRCh38, 1-based): chr7:150,974,788-150,974,789, CG replaced by A on the plus strand (CG replaced by T on the coding strand, the reverse complement: KCNH2 is on the minus strand). VCF-style: chr7-150974788-CG-A. GRCh37 (hg19) VCF-style: chr7-150671876-CG-A.
Other names: c.52_53delCGinsT, p.Arg18Serfs (NM_001406755.1); c.229_230delCGinsT, p.Arg77Serfs (NM_172056.3); short protein forms R77fs.
Identifiers: ClinVar variation 1789092 (VCV001789092.2), dbSNP rs2486155801, ClinGen allele CA2580077680.
Genomic context (GRCh38, chr7:150,974,788, plus strand): 5'-GCGATTTCCACTTTGCGCTCCTCGGCGCCCAGCAGTGCCTGCGCGATCTGCGCGGCAGCG[CG>A]GCGCTGCGTGCGCGGCCCGTGCAGGAAGTCGCAGGTGCAGGGTCGCTGCATCACCTCGGC-3'

ClinVar aggregate classification (germline): Pathogenic (1 of 4 stars; one submission).

Conditions:
Cardiovascular phenotype. Identifiers: MedGen CN230736.

Submission:

Ambry Genetics
Classification: Pathogenic for Cardiovascular phenotype. Last evaluated: 2021-05-17. Review status: criteria provided, single submitter. Criteria: Ambry Variant Classification Scheme 2023. Collection method: clinical testing. Allele origin: germline.
Comment: The c.229_230delCGinsT pathogenic mutation, located in coding exon 2 of the KCNH2 gene, results from the deletion of two nucleotides and insertion of one nucleotide causing a translational frameshift with a predicted alternate stop codon (p.R77Sfs*39). This alteration is expected to result in loss of function by premature protein truncation or nonsense-mediated mRNA decay. As such, this alteration is interpreted as a disease-causing mutation.